The following is an entry in ClinVar:

NM_006269.2(RP1):c.3296A>G (p.His1099Arg)

Gene: RP1 (RP1 axonemal microtubule associated; plus strand). Cytogenetic location: 8q12.1.
Variant type: single nucleotide variant.
Coding change: c.3296A>G on transcript NM_006269.2 (MANE Select); coding-DNA position 3296, A replaced by G.
Protein change: p.His1099Arg; replaces histidine 1099 with arginine.
Molecular consequence: missense variant. On other transcripts: intron variant (1).
Genome position (GRCh38, 1-based): chr8:54,627,178, A>G. VCF-style: chr8-54627178-A-G. GRCh37 (hg19) VCF-style: chr8-55539738-A-G.
Other names: c.787+4890A>G (NM_001375654.1); short protein forms H1099R.
Identifiers: ClinVar variation 4693615 (VCV004693615.1).

ClinVar aggregate classification (germline): Uncertain significance (1 of 4 stars; one submission).

gnomAD v4.1: 8 of 1,614,034 alleles (0.0005%); highest among the groups gnomAD compares: Admixed American, 0.01%; no homozygotes.

Submission:

Labcorp Genetics (formerly Invitae), Labcorp
Classification: Uncertain significance. Last evaluated: 2025-08-12. Review status: criteria provided, single submitter. Criteria: Invitae Variant Classification Sherloc (09022015). Collection method: clinical testing. Allele origin: germline.
Comment: This sequence change replaces histidine, which is basic and polar, with arginine, which is basic and polar, at codon 1099 of the RP1 protein (p.His1099Arg). This variant is present in population databases (rs201157708, gnomAD 0.01%). This variant has not been reported in the literature in individuals affected with RP1-related conditions. An algorithm developed to predict the effect of missense changes on protein structure and function (PolyPhen-2) suggests that this variant is likely to be tolerated. In summary, the available evidence is currently insufficient to determine the role of this variant in disease. Therefore, it has been classified as a Variant of Uncertain Significance.